The following is an entry in ClinVar:

ClinVar aggregate classification (germline): Likely benign. Review status: criteria provided, multiple submitters, no conflicts (2 of 4 stars). 5 submissions from 5 submitters: Likely benign (5). Last evaluated 2026-05-01.

Conditions:
Aldosterone-producing adenoma with seizures and neurological abnormalities. Also called: Primary aldosteronism, seizures, and neurologic abnormalities. Identifiers: Orphanet 369929, MedGen C3809609, MONDO:0014200, OMIM 615474.

Allele frequency attached by ClinVar (database versions not stated): TOPMed 0.00002.
gnomAD v4.1: 128 of 1,613,758 alleles (0.0079%); highest among the groups gnomAD compares: South Asian, 0.09%; 4 homozygotes.

Submissions (5):

CeGaT Center for Human Genetics Tuebingen
Classification: Likely benign. Last evaluated: 2026-05-01. Review status: criteria provided, single submitter. Criteria: CeGaT Center For Human Genetics Tuebingen Variant Classification Criteria Version 2. Collection method: clinical testing. Allele origin: germline. Affected: yes. Observed: 1 variant allele.
Comment: CACNA1D: BP4, BP7

Labcorp Genetics (formerly Invitae), Labcorp
Classification: Likely benign. Last evaluated: 2025-12-22. Review status: criteria provided, single submitter. Criteria: Invitae Variant Classification Sherloc (09022015). Collection method: clinical testing. Allele origin: germline.

Blueprint Genetics
Classification: Likely benign. Last evaluated: 2024-06-11. Review status: criteria provided, single submitter. Criteria: ACMG Guidelines, 2015. Collection method: clinical testing. Allele origin: germline.

KCCC/NGS Laboratory, Kuwait Cancer Control Center
Classification: Likely benign for Aldosterone-producing adenoma with seizures and neurological abnormalities. Last evaluated: 2023-07-07. Review status: criteria provided, single submitter. Criteria: ACMG Guidelines, 2015. Collection method: clinical testing. Allele origin: germline. Affected: yes.

Laboratory for Molecular Medicine, Mass General Brigham Personalized Medicine
Classification: Likely benign. Last evaluated: 2017-07-20. Review status: criteria provided, single submitter. Criteria: LMM Criteria. Collection method: clinical testing. Allele origin: germline. Observed: 2 variant alleles.
Comment: p.Ser2000Ser in exon 48 of CACNA1D: This variant is not expected to have clinica l significance because it does not alter an amino acid residue and is not locate d within the splice consensus sequence. It has been identified in 0.1% (30/30782 ) of South Asian chromosomes by the Genome Aggregation Database (gnomAD; dbSNP rs767458712).

NM_001128840.3(CACNA1D):c.5940G>C (p.Ser1980=)

Gene: CACNA1D (calcium voltage-gated channel subunit alpha1 D; plus strand). Cytogenetic location: 3p21.1.
Variant type: single nucleotide variant.
Coding change: c.5940G>C on transcript NM_001128840.3 (MANE Select); coding-DNA position 5940, G replaced by C.
Protein change: p.Ser1980=; no amino-acid change (serine 1980 retained).
Molecular consequence: synonymous variant.
Genome position (GRCh38, 1-based): chr3:53,810,046, G>C. VCF-style: chr3-53810046-G-C. GRCh37 (hg19) VCF-style: chr3-53844073-G-C.
Other names: c.6000G>C, p.Ser2000= (NM_000720.4); c.5868G>C, p.Ser1956= (NM_001128839.3).
Identifiers: ClinVar variation 227206 (VCV000227206.15), dbSNP rs767458712, ClinGen allele CA2455331.
Genomic context (GRCh38, chr3:53,810,046, plus strand): 5'-AGTTGCCGGCCTAGATTCAAGTAAAGCCCAGAAGTACTCACCGAGTCACTCGACCCGGTC[G>C]TGGGCCACCCCTCCAGCAACCCCTCCCTACCGGGACTGGACACCGTGCTACACCCCCCTG-3'
Protein context (NP_001122312.1, residues 1970-1990): QKYSPSHSTR[Ser1980=]WATPPATPPY